The following is an entry in ClinVar:

NM_000238.4(KCNH2):c.972C>T (p.Leu324=)

Gene: KCNH2 (potassium voltage-gated channel subfamily H member 2; minus strand). Cytogenetic location: 7q36.1.
Variant type: single nucleotide variant.
Coding change: c.972C>T on transcript NM_000238.4 (MANE Select); coding-DNA position 972, C replaced by T.
Protein change: p.Leu324=; no amino-acid change (leucine 324 retained).
Molecular consequence: synonymous variant. On other transcripts: non-coding transcript variant (1).
Genome position (GRCh38, 1-based): chr7:150,957,447, G>A on the plus strand (C>T on the coding strand, the complement: KCNH2 is on the minus strand). VCF-style: chr7-150957447-G-A. GRCh37 (hg19) VCF-style: chr7-150654535-G-A.
Other names: c.684C>T, p.Leu228= (NM_001406753.1, NM_001406756.1); c.795C>T, p.Leu265= (NM_001406755.1); c.672C>T, p.Leu224= (NM_001406757.1); c.972C>T, p.Leu324= (NM_172056.3).
Identifiers: ClinVar variation 925469 (VCV000925469.23), dbSNP rs146297032, ClinGen allele CA041291.

ClinVar aggregate classification (germline): Likely benign. Review status: criteria provided, multiple submitters, no conflicts (2 of 4 stars). 5 submissions from 5 submitters: Likely benign (5). Last evaluated 2026-05-25.

Conditions:
Cardiovascular phenotype. Identifiers: MedGen CN230736.
Cardiac arrhythmia. Also called: Arrhythmia; Cardiac rhythm disease. Identifiers: MedGen C0003811, MONDO:0007263, HP:0011675.
Long QT syndrome (LQTS). Identifiers: MedGen C0023976, MeSH D008133, MONDO:0002442. Disease mechanism: loss of function. Inheritance: Various modes of inheritance.

Allele frequency attached by ClinVar (database versions not stated): gnomAD 0.00001; gnomAD exomes 0.00001 and 0.00003; TOPMed 0.00002; ExAC 0.00002; ESP Exome Variant Server 0.00008.
gnomAD v4.1: 18 of 1,614,080 alleles (0.0011%); highest among the groups gnomAD compares: East Asian, 0.022%; no homozygotes.

Submissions (5):

Women's Health and Genetics/Laboratory Corporation of America, LabCorp
Classification: Likely benign. Last evaluated: 2026-05-25. Review status: criteria provided, single submitter. Criteria: LabCorp Variant Classification Summary - May 2015. Collection method: clinical testing. Allele origin: germline.

Labcorp Genetics (formerly Invitae), Labcorp
Classification: Likely benign for Long QT syndrome. Last evaluated: 2024-05-16. Review status: criteria provided, single submitter. Criteria: Invitae Variant Classification Sherloc (09022015). Collection method: clinical testing. Allele origin: germline.

All of Us Research Program, National Institutes of Health
Classification: Likely benign for Long QT syndrome. Last evaluated: 2023-10-30. Review status: criteria provided, single submitter. Criteria: ACMG Guidelines, 2015. Collection method: clinical testing. Allele origin: germline. Inheritance: Autosomal dominant inheritance. Observed: 2 variant alleles, 2 heterozygotes.
Comment: This study involves interpretation of variants in research participants for the purpose of population health screening. Participant phenotype was not available at the time of variant classification. Additional details can be found in publication PMID: 35346344, PMCID: PMC8962531

Ambry Genetics
Classification: Likely benign for Cardiovascular phenotype. Last evaluated: 2023-08-02. Review status: criteria provided, single submitter. Criteria: Ambry Variant Classification Scheme 2023. Collection method: clinical testing. Allele origin: germline.

Color Diagnostics, LLC DBA Color Health
Classification: Likely benign for Arrhythmia. Last evaluated: 2018-11-27. Review status: criteria provided, single submitter. Criteria: ACMG Guidelines, 2015. Collection method: clinical testing. Allele origin: germline.